The following is an entry in ClinVar:

NM_001482.3(GATM):c.1187G>A (p.Arg396His)

Gene: GATM (glycine amidinotransferase; minus strand). Cytogenetic location: 15q21.1.
Variant type: single nucleotide variant.
Coding change: c.1187G>A on transcript NM_001482.3 (MANE Select); coding-DNA position 1187, G replaced by A.
Protein change: p.Arg396His; replaces arginine 396 with histidine.
Molecular consequence: missense variant.
Genome position (GRCh38, 1-based): chr15:45,362,194, C>T on the plus strand (G>A on the coding strand, the complement: GATM is on the minus strand). VCF-style: chr15-45362194-C-T. GRCh37 (hg19) VCF-style: chr15-45654392-C-T.
Other names: c.1187G>A (NM_001482.2); c.800G>A, p.Arg267His (NM_001321015.2); short protein forms R396H, R267H.
Identifiers: ClinVar variation 2957686 (VCV002957686.4), dbSNP rs1357528739, ClinGen allele CA392254974.

ClinVar aggregate classification (germline): Uncertain significance. Review status: criteria provided, multiple submitters, no conflicts (2 of 4 stars). 2 submissions from 2 submitters: Uncertain significance (2). Last evaluated 2025-05-08.

Conditions:
Inborn genetic diseases. Identifiers: MedGen C0950123, MeSH D030342.
Arginine:glycine amidinotransferase deficiency (CCDS3). Also called: Creatine deficiency syndrome due to AGAT deficiency; Cerebral creatine deficiency syndrome 3; AGAT deficiency; GATM deficiency; L-Arginine:Glycine Amidinotransferase (AGAT) Deficiency; L-Arginine:Glycine Amidinotransferase Deficiency. Identifiers: Orphanet 35704, MedGen C2675179, MONDO:0012996, OMIM 612718.

Allele frequency attached by ClinVar (database versions not stated): gnomAD exomes below 0.00001; gnomAD 0.00001; TOPMed 0.00001.
gnomAD v4.1: 4 of 1,612,830 alleles (0.00025%); highest among the groups gnomAD compares: Non-Finnish European, 0.00034%; no homozygotes.

Submissions (2):

Labcorp Genetics (formerly Invitae), Labcorp
Classification: Uncertain significance for Arginine:glycine amidinotransferase deficiency. Last evaluated: 2025-05-08. Review status: criteria provided, single submitter. Criteria: Invitae Variant Classification Sherloc (09022015). Collection method: clinical testing. Allele origin: germline.
Comment: This sequence change replaces arginine, which is basic and polar, with histidine, which is basic and polar, at codon 396 of the GATM protein (p.Arg396His). This variant is not present in population databases (gnomAD no frequency). This variant has not been reported in the literature in individuals affected with GATM-related conditions. ClinVar contains an entry for this variant (Variation ID: 2957686). Invitae Evidence Modeling of protein sequence and biophysical properties (such as structural, functional, and spatial information, amino acid conservation, physicochemical variation, residue mobility, and thermodynamic stability) indicates that this missense variant is expected to disrupt GATM protein function with a positive predictive value of 95%. In summary, the available evidence is currently insufficient to determine the role of this variant in disease. Therefore, it has been classified as a Variant of Uncertain Significance.

Ambry Genetics
Classification: Uncertain significance for Inborn genetic diseases. Last evaluated: 2023-12-14. Review status: criteria provided, single submitter. Criteria: Ambry Variant Classification Scheme 2023. Collection method: clinical testing. Allele origin: germline.